The following is an entry in ClinVar:

NM_004990.4(MARS1):c.109G>A (p.Asp37Asn)

Genes: ARHGAP9 (Rho GTPase activating protein 9; minus strand), MARS1 (methionyl-tRNA synthetase 1; plus strand). Cytogenetic location: 12q13.3.
Variant type: single nucleotide variant.
Coding change: c.109G>A on transcript NM_004990.4 (MANE Select); coding-DNA position 109, G replaced by A.
Protein change: p.Asp37Asn; replaces aspartic acid 37 with asparagine.
Molecular consequence: missense variant. On other transcripts: intron variant (1).
Genome position (GRCh38, 1-based): chr12:57,488,199, G>A. VCF-style: chr12-57488199-G-A. GRCh37 (hg19) VCF-style: chr12-57881982-G-A.
Other names: c.-204+413C>T (NM_001319850.2); short protein forms D37N.
Identifiers: ClinVar variation 1980062 (VCV001980062.4), dbSNP rs2540248847, ClinGen allele CA385490142.

ClinVar aggregate classification (germline): Uncertain significance (1 of 4 stars; one submission).

Conditions:
Severe early-onset pulmonary alveolar proteinosis due to MARS deficiency. Also called: PULMONARY ALVEOLAR PROTEINOSIS, REUNION ISLAND; Interstitial lung and liver disease. Identifiers: Orphanet 440427, MedGen C4225400, MONDO:0014206, OMIM 615486.
Charcot-Marie-Tooth disease axonal type 2U. Also called: CHARCOT-MARIE-TOOTH NEUROPATHY, TYPE 2U; CHARCOT-MARIE-TOOTH DISEASE, AXONAL, AUTOSOMAL DOMINANT, TYPE 2U. Identifiers: Orphanet 397735, MedGen C4084821, MONDO:0014566, OMIM 616280.

Submission:

Labcorp Genetics (formerly Invitae), Labcorp
Classification: Uncertain significance for Charcot-Marie-Tooth disease axonal type 2U; Severe early-onset pulmonary alveolar proteinosis due to MARS deficiency. Last evaluated: 2021-12-11. Review status: criteria provided, single submitter. Criteria: Invitae Variant Classification Sherloc (09022015). Collection method: clinical testing. Allele origin: germline.
Comment: In summary, the available evidence is currently insufficient to determine the role of this variant in disease. Therefore, it has been classified as a Variant of Uncertain Significance. Variants that disrupt the consensus splice site are a relatively common cause of aberrant splicing (PMID: 17576681, 9536098). Algorithms developed to predict the effect of sequence changes on RNA splicing suggest that this variant may disrupt the consensus splice site. Algorithms developed to predict the effect of missense changes on protein structure and function (SIFT, PolyPhen-2, Align-GVGD) all suggest that this variant is likely to be tolerated. This variant has not been reported in the literature in individuals affected with MARS-related conditions. This variant is not present in population databases (gnomAD no frequency). This sequence change replaces aspartic acid, which is acidic and polar, with asparagine, which is neutral and polar, at codon 37 of the MARS protein (p.Asp37Asn). This variant also falls at the last nucleotide of exon 1, which is part of the consensus splice site for this exon.

Literature cited by the submitters: PubMed 17576681; PubMed 9536098.